The following is an entry in ClinVar:

ClinVar aggregate classification (germline): Likely pathogenic. Review status: criteria provided, single submitter (1 of 4 stars). 3 submissions from 3 submitters: Likely pathogenic (1). 2 of the submissions do not count toward it. Last evaluated 2021-01-07.

Conditions:
Charcot-Marie-Tooth disease. Also called: Charcot-Marie-Tooth Neuropathy; Charcot-Marie-Tooth Hereditary Neuropathy. Identifiers: Orphanet 166, MedGen C0007959, MONDO:0015626.
Familial dysautonomia. Also called: FD; HSAN III. Identifiers: Orphanet 1764, MedGen C0013364, MONDO:0009131, OMIM 223900. Disease mechanism: loss of function.

Submissions (3):

Women's Health and Genetics/Laboratory Corporation of America, LabCorp
Classification: Likely pathogenic for Familial dysautonomia. Last evaluated: 2021-01-07. Review status: criteria provided, single submitter. Criteria: LabCorp Variant Classification Summary - May 2015. Collection method: clinical testing. Allele origin: germline.
Comment: Variant summary: IKBKAP c.2741C>T (p.Pro914Leu) results in a non-conservative amino acid change in the encoded protein sequence. Five of five in-silico tools predict a damaging effect of the variant on protein function. The variant was absent in 242538 control chromosomes (gnomAD). c.2741C>T has been reported in the literature in at least one compound heterozygous individual affected with Familial Dysautonomia (e.g. Leyne_2003). To our knowledge, no experimental evidence demonstrating an impact on protein function has been reported. No clinical diagnostic laboratories have submitted clinical-significance assessments for this variant to ClinVar after 2014. Based on the evidence outlined above, the variant was classified as likely pathogenic.

OMIM
Classification: Pathogenic for DYSAUTONOMIA, FAMILIAL. Last evaluated: 2003-05-01. Review status: no assertion criteria provided. Collection method: literature only. Allele origin: germline. Not counted in ClinVar's aggregate classification.

Inherited Neuropathy Consortium
Classification: Uncertain significance for Charcot-Marie-Tooth disease. Review status: no assertion criteria provided. Collection method: literature only. Allele origin: germline. Affected: yes. Not counted in ClinVar's aggregate classification.

Literature cited by the submitters: PubMed 22975760 (cited by Women's Health and Genetics/Laboratory Corporation of America, LabCorp); PubMed 18091349 (cited by Women's Health and Genetics/Laboratory Corporation of America, LabCorp); PubMed 12687659 (cited by 3 submitters); PubMed 18197058 (cited by Women's Health and Genetics/Laboratory Corporation of America, LabCorp); PubMed 29290691 (cited by Women's Health and Genetics/Laboratory Corporation of America, LabCorp); PubMed 10090896 (cited by OMIM).

NM_003640.5(ELP1):c.2741C>T (p.Pro914Leu)

Gene: ELP1 (elongator acetyltransferase complex subunit 1; minus strand). Cytogenetic location: 9q31.3.
Variant type: single nucleotide variant.
Coding change: c.2741C>T on transcript NM_003640.5 (MANE Select); coding-DNA position 2741, C replaced by T.
Protein change: p.Pro914Leu; replaces proline 914 with leucine.
Molecular consequence: missense variant.
Genome position (GRCh38, 1-based): chr9:108,894,062, G>A on the plus strand (C>T on the coding strand, the complement: ELP1 is on the minus strand). VCF-style: chr9-108894062-G-A. GRCh37 (hg19) VCF-style: chr9-111656342-G-A.
Other names: c.2399C>T, p.Pro800Leu (NM_001318360.2); c.1694C>T, p.Pro565Leu (NM_001330749.2); c.2741C>T (NM_003640.3); short protein forms P914L, P565L, P800L.
Identifiers: ClinVar variation 6087 (VCV000006087.6), dbSNP rs28939712, ClinGen allele CA253769.